The following is an entry in ClinVar:

ClinVar aggregate classification (germline): Uncertain significance (1 of 4 stars; one submission).

Conditions:
Mucopolysaccharidosis, MPS-III-A (MPS3A). Also called: Mucopolysaccharidosis, type IIIA; mucopolysaccharidosis type 3A; MPS IIIA (Sanfilippo Syndrome Type A); HEPARAN SULFATE SULFATASE DEFICIENCY; Mucopolysaccharidosis type IIIA (Sanfilippo A); SANFILIPPO SYNDROME A. Identifiers: Orphanet 581, Orphanet 79269, MedGen C0086647, MONDO:0009655, OMIM 252900.

Submission:

Labcorp Genetics (formerly Invitae), Labcorp
Classification: Uncertain significance for Mucopolysaccharidosis, MPS-III-A. Last evaluated: 2025-01-13. Review status: criteria provided, single submitter. Criteria: Invitae Variant Classification Sherloc (09022015). Collection method: clinical testing. Allele origin: germline.
Comment: This sequence change replaces threonine, which is neutral and polar, with serine, which is neutral and polar, at codon 475 of the SGSH protein (p.Thr475Ser). This variant is not present in population databases (gnomAD no frequency). This variant has not been reported in the literature in individuals affected with SGSH-related conditions. ClinVar contains an entry for this variant (Variation ID: 1410905). Invitae Evidence Modeling of protein sequence and biophysical properties (such as structural, functional, and spatial information, amino acid conservation, physicochemical variation, residue mobility, and thermodynamic stability) has been performed for this missense variant. However, the output from this modeling did not meet the statistical confidence thresholds required to predict the impact of this variant on SGSH protein function. In summary, the available evidence is currently insufficient to determine the role of this variant in disease. Therefore, it has been classified as a Variant of Uncertain Significance.

NM_000199.5(SGSH):c.1424C>G (p.Thr475Ser)

Gene: SGSH (N-sulfoglucosamine sulfohydrolase; minus strand). Cytogenetic location: 17q25.3.
Variant type: single nucleotide variant.
Coding change: c.1424C>G on transcript NM_000199.5 (MANE Select); coding-DNA position 1424, C replaced by G.
Protein change: p.Thr475Ser; replaces threonine 475 with serine.
Molecular consequence: missense variant. On other transcripts: 3 prime UTR variant (2), non-coding transcript variant (1).
Genome position (GRCh38, 1-based): chr17:80,210,537, G>C on the plus strand (C>G on the coding strand, the complement: SGSH is on the minus strand). VCF-style: chr17-80210537-G-C. GRCh37 (hg19) VCF-style: chr17-78184336-G-C.
Other names: c.*511C>G (NM_001352921.3); c.*474C>G (NM_001352922.2); short protein forms T475S.
Identifiers: ClinVar variation 1410905 (VCV001410905.4), dbSNP rs2144689101, ClinGen allele CA401358457.